The following is an entry in ClinVar:

ClinVar aggregate classification (germline): Uncertain significance (1 of 4 stars; one submission).

Submission:

CeGaT Center for Human Genetics Tuebingen
Classification: Uncertain significance. Last evaluated: 2026-03-01. Review status: criteria provided, single submitter. Criteria: CeGaT Center For Human Genetics Tuebingen Variant Classification Criteria Version 2. Collection method: clinical testing. Allele origin: germline. Affected: yes. Observed: 1 variant allele.
Comment: PDE11A: PM2, PM4

NM_016953.4(PDE11A):c.1911_1919dup (p.Lys639_Phe640insLeuGlnLys)

Gene: PDE11A (phosphodiesterase 11A; minus strand). Cytogenetic location: 2q31.2.
Variant type: Duplication.
Coding change: c.1911_1919dup on transcript NM_016953.4 (MANE Select); coding-DNA positions 1911 to 1919, 9 bases duplicated (ACAGAAATT; older notation c.1911_1919dupACAGAAATT).
Protein change: p.Lys639_Phe640insLeuGlnLys.
Molecular consequence: inframe insertion.
Genome position (GRCh38, 1-based): chr2:177,728,042-177,728,050, AATTTCTGT duplicated on the plus strand (ACAGAAATT on the coding strand, the reverse complement: PDE11A is on the minus strand); duplicating any 9 consecutive bases within chr2:177,728,042-177,728,051 gives the same sequence; the c. name uses the placement nearest the transcript's 3' end. VCF-style (leftmost placement, unchanged base first): chr2-177728041-A-AAATTTCTGT. GRCh37 (hg19) VCF-style: chr2-178592769-A-AAATTTCTGT.
Other names: c.579_587dup, p.Lys195_Phe196insLeuGlnLys (NM_001077196.2); c.1161_1169dup, p.Lys389_Phe390insLeuGlnLys (NM_001077197.2); c.837_845dup, p.Lys281_Phe282insLeuGlnLys (NM_001077358.2).
Identifiers: ClinVar variation 4823759 (VCV004823759.4).